The following is an entry in ClinVar:

NM_006363.6(SEC23B):c.208C>T (p.Leu70Phe)

Gene: SEC23B (SEC23 homolog B, COPII component; plus strand). Cytogenetic location: 20p11.23.
Variant type: single nucleotide variant.
Coding change: c.208C>T on transcript NM_006363.6 (MANE Select); coding-DNA position 208, C replaced by T.
Protein change: p.Leu70Phe; replaces leucine 70 with phenylalanine.
Molecular consequence: missense variant.
Genome position (GRCh38, 1-based): chr20:18,511,043, C>T. VCF-style: chr20-18511043-C-T. GRCh37 (hg19) VCF-style: chr20-18491687-C-T.
Other names: c.208C>T, p.Leu70Phe (NM_001172745.3, NM_001172746.3, NM_032985.6 and 1 more transcripts); short protein forms L70F.
Identifiers: ClinVar variation 2142114 (VCV002142114.4), dbSNP rs767430016, ClinGen allele CA9777943.
Genomic context (GRCh38, chr20:18,511,043, plus strand): 5'-GACCTACCTCCTGTACAATATGAACCTGTGCTTTGCAGCAGGCCAACTTGTAAAGCTGTT[C>T]TCAACCCACTTTGGTATGGATTCTTTTGAAACTGGTAAAAATGATAAATACAATATATTA-3'
Protein context (NP_006354.2, residues 60-80): LCSRPTCKAV[Leu70Phe]NPLCQVDYRA

ClinVar aggregate classification (germline): Uncertain significance (1 of 4 stars; one submission).

Conditions:
Congenital dyserythropoietic anemia, type II (CDAN2). Also called: DYSERYTHROPOIETIC ANEMIA, HEMPAS TYPE. Identifiers: Orphanet 98873, MedGen C1306589, MONDO:0009134, OMIM 224100.
Cowden syndrome 7 (CWS7). Identifiers: Orphanet 201, MedGen C4225179, MONDO:0014802, OMIM 616858.

Allele frequency attached by ClinVar (database versions not stated): TOPMed below 0.00001; gnomAD 0.00001; gnomAD exomes 0.00001; ExAC 0.00002.
gnomAD v4.1: 13 of 1,611,614 alleles (0.00081%); highest among the groups gnomAD compares: African/African-American, 0.0013%; no homozygotes.

Submission:

Labcorp Genetics (formerly Invitae), Labcorp
Classification: Uncertain significance for Congenital dyserythropoietic anemia, type II; Cowden syndrome 7. Last evaluated: 2022-11-22. Review status: criteria provided, single submitter. Criteria: Invitae Variant Classification Sherloc (09022015). Collection method: clinical testing. Allele origin: germline.
Comment: This sequence change replaces leucine, which is neutral and non-polar, with phenylalanine, which is neutral and non-polar, at codon 70 of the SEC23B protein (p.Leu70Phe). In summary, the available evidence is currently insufficient to determine the role of this variant in disease. Therefore, it has been classified as a Variant of Uncertain Significance. Advanced modeling of protein sequence and biophysical properties (such as structural, functional, and spatial information, amino acid conservation, physicochemical variation, residue mobility, and thermodynamic stability) has been performed at Invitae for this missense variant, however the output from this modeling did not meet the statistical confidence thresholds required to predict the impact of this variant on SEC23B protein function. This variant has not been reported in the literature in individuals affected with SEC23B-related conditions. This variant is present in population databases (rs767430016, gnomAD 0.004%).